The following is an entry in ClinVar:

ClinVar aggregate classification (germline): Pathogenic/Likely pathogenic. Review status: criteria provided, multiple submitters, no conflicts (2 of 4 stars). 4 submissions from 4 submitters: Pathogenic (1); Likely pathogenic (1). 2 of the submissions do not count toward it. Last evaluated 2025-01-17.

Conditions:
Glycogen storage disease, type VI (GSD6). Also called: Glycogen storage disease type 6, due to phosphorylation; GSD VI; Glycogen storage disease type 6; Hepatic glycogen phosphorylase deficiency; HERS DISEASE; PHOSPHORYLASE DEFICIENCY GLYCOGEN-STORAGE DISEASE OF LIVER. Identifiers: Orphanet 369, MedGen C0017925, MONDO:0009294, OMIM 232700.

Allele frequency attached by ClinVar (database versions not stated): TOPMed 0.00004; gnomAD 0.00006.
gnomAD v4.1: 37 of 1,613,716 alleles (0.0023%); highest among the groups gnomAD compares: African/African-American, 0.004%; no homozygotes.

Submissions (6):

Labcorp Genetics (formerly Invitae), Labcorp
Classification: Pathogenic for Glycogen storage disease, type VI. Last evaluated: 2025-01-17. Review status: criteria provided, single submitter. Criteria: Invitae Variant Classification Sherloc (09022015). Collection method: clinical testing. Allele origin: germline.
Comment: This sequence change affects a donor splice site in intron 13 of the PYGL gene. It is expected to disrupt RNA splicing. Variants that disrupt the donor or acceptor splice site typically lead to a loss of protein function (PMID: 16199547), and loss-of-function variants in PYGL are known to be pathogenic (PMID: 9536091, 21646031). This variant is present in population databases (rs113993981, gnomAD 0.005%). Disruption of this splice site has been observed in individuals with glycogen storage disease type VI (PMID: 9536091, 21646031). ClinVar contains an entry for this variant (Variation ID: 11996). Algorithms developed to predict the effect of sequence changes on RNA splicing suggest that this variant may disrupt the consensus splice site. For these reasons, this variant has been classified as Pathogenic.

Illumina Laboratory Services, Illumina
Classification: Likely pathogenic for Glycogen storage disease, type VI. Last evaluated: 2018-08-17. Review status: criteria provided, single submitter. Criteria: ICSL Variant Classification Criteria 09 May 2019. Collection method: clinical testing. Allele origin: germline.
Comment: The PYGL c.1620+1G>A variant occurs in a canonical splice site (acceptor) and is therefore predicted to disrupt or distort the normal gene product. The c.1620+1G>A variant, also described as IVS13+1G>A, is a reported founder variant in the Mennonite population, and has been reported in one study in which it was found in a homozygous state in five individuals with glycogen storage disease type VI (GSD VI) from a large, interrelated Mennonite family (Chang et al. 1998). The parents of all affected individuals were confirmed to be heterozygous carriers. The variant was absent from 52 healthy, unrelated controls but is reported at a frequency of 0.000060 in the European (non-Finnish) population of the Exome Aggregation Consortium. RT-PCR analysis on samples from the affected individuals revealed that the c.1620+1G>A variant causes aberrant splicing, creating two abnormal cDNA products including one that utilizes a cryptic donor site that yields a product missing the last three residues of exon 13 and another lacking all of exon 13 (Chang et al. 1998). Based on the evidence and potential impact of splice acceptor variants, the c.1620+1G>A variant is classified as likely pathogenic for glycogen storage disease type VI. This variant was observed by ICSL as part of a predisposition screen in an ostensibly healthy population.

OMIM
Classification: Pathogenic for GLYCOGEN STORAGE DISEASE VI. Last evaluated: 1998-05-01. Review status: no assertion criteria provided. Collection method: literature only. Allele origin: germline. Not counted in ClinVar's aggregate classification.

Dr. Peter K. Rogan Lab, Western University
No classification provided (evidence only). Condition: Acute myeloid leukemia. Review status: no classification provided. Collection method: in vitro. Allele origin: not applicable. Functional consequence: skipped exon, retained intron. Not counted in ClinVar's aggregate classification.

Dr. Peter K. Rogan Lab, Western University
No classification provided (evidence only). Condition: Thyroid cancer, nonmedullary, 1. Review status: no classification provided. Collection method: in vitro. Allele origin: not applicable. Functional consequence: skipped exon. Not counted in ClinVar's aggregate classification.

GeneReviews
No classification provided. Condition: Glycogen storage disease, type VI. Review status: no classification provided. Collection method: literature only. Allele origin: unknown. Not counted in ClinVar's aggregate classification.

Literature cited by the submitters: PubMed 16199547 (cited by Labcorp Genetics (formerly Invitae), Labcorp); PubMed 9536091 (cited by 4 submitters); PubMed 21646031 (cited by Labcorp Genetics (formerly Invitae), Labcorp); PubMed 20301760 (cited by GeneReviews); NCBI Bookshelf NBK5941 (cited by GeneReviews).

NM_002863.5(PYGL):c.1620+1G>A

Gene: PYGL (glycogen phosphorylase L; minus strand). Cytogenetic location: 14q22.1.
Variant type: single nucleotide variant.
Coding change: c.1620+1G>A on transcript NM_002863.5 (MANE Select); the canonical splice donor site of the intron after coding-DNA position 1620, G replaced by A.
Molecular consequence: splice donor variant.
Genome position (GRCh38, 1-based): chr14:50,913,028, C>T on the plus strand (G>A on the coding strand, the complement: PYGL is on the minus strand). VCF-style: chr14-50913028-C-T. GRCh37 (hg19) VCF-style: chr14-51379746-C-T.
Other names: IVS13DS, G-A, +1; c.1518+1G>A (NM_001163940.2).
Identifiers: ClinVar variation 11996 (VCV000011996.12), dbSNP rs113993981, ClinGen allele CA341172.